The following is an entry in ClinVar:

ClinVar aggregate classification (germline): Uncertain significance. Review status: criteria provided, multiple submitters, no conflicts (2 of 4 stars). 2 submissions from 2 submitters: Uncertain significance (2). Last evaluated 2026-07-06.

Conditions:
Hereditary cancer-predisposing syndrome. Also called: Hereditary Cancer Syndrome; Hereditary neoplastic syndrome; Neoplastic Syndromes, Hereditary; Tumor predisposition. Identifiers: Orphanet 140162, MedGen C0027672, MeSH D009386, MONDO:0015356.

Submissions (2):

Ambry Genetics
Classification: Uncertain significance for Hereditary cancer-predisposing syndrome. Last evaluated: 2026-07-06. Review status: criteria provided, single submitter. Criteria: Ambry Variant Classification Scheme 2023. Collection method: clinical testing. Allele origin: germline.
Comment: The p.G130D variant (also known as c.389G>A), located in coding exon 4 of the FH gene, results from a G to A substitution at nucleotide position 389. The glycine at codon 130 is replaced by aspartic acid, an amino acid with similar properties. This amino acid position is conserved. In addition, this alteration is predicted to be deleterious by in silico analysis. Based on the available evidence, the clinical significance of this variant remains unclear.

Labcorp Genetics (formerly Invitae), Labcorp
Classification: Uncertain significance. Last evaluated: 2024-01-09. Review status: criteria provided, single submitter. Criteria: Invitae Variant Classification Sherloc (09022015). Collection method: clinical testing. Allele origin: germline.
Comment: This sequence change replaces glycine, which is neutral and non-polar, with aspartic acid, which is acidic and polar, at codon 130 of the FH protein (p.Gly130Asp). This variant is not present in population databases (gnomAD no frequency). This variant has not been reported in the literature in individuals affected with FH-related conditions. Advanced modeling of protein sequence and biophysical properties (such as structural, functional, and spatial information, amino acid conservation, physicochemical variation, residue mobility, and thermodynamic stability) performed at Invitae indicates that this missense variant is expected to disrupt FH protein function with a positive predictive value of 95%. In summary, the available evidence is currently insufficient to determine the role of this variant in disease. Therefore, it has been classified as a Variant of Uncertain Significance.

NM_000143.4(FH):c.389G>A (p.Gly130Asp)

Gene: FH (fumarate hydratase; minus strand). Cytogenetic location: 1q43.
Variant type: single nucleotide variant.
Coding change: c.389G>A on transcript NM_000143.4 (MANE Select); coding-DNA position 389, G replaced by A.
Protein change: p.Gly130Asp; replaces glycine 130 with aspartic acid.
Molecular consequence: missense variant.
Genome position (GRCh38, 1-based): chr1:241,512,133, C>T on the plus strand (G>A on the coding strand, the complement: FH is on the minus strand). VCF-style: chr1-241512133-C-T. GRCh37 (hg19) VCF-style: chr1-241675433-C-T.
Other names: short protein forms G130D.
Identifiers: ClinVar variation 2988049 (VCV002988049.4), dbSNP rs2527332880, ClinGen allele CA345440212.
Genomic context (GRCh38, chr1:241,512,133, plus strand): 5'-TTTGTCTGAGTTCCTGATCCAGTCTGCCATACCACGAGAGGAAAATGATCATTTAATTTA[C>T]CTTCAGCTACCTGCAGAAAAAATGTTAAAAATGTATTTTAAAAAAGGAAATAATAATGCT-3'
Protein context (NP_000134.2, residues 120-140): IMKAADEVAE[Gly130Asp]KLNDHFPLVV